The following is an entry in ClinVar:

NM_000264.5(PTCH1):c.646A>C (p.Met216Leu)

Gene: PTCH1 (patched 1; minus strand). Cytogenetic location: 9q22.32.
Variant type: single nucleotide variant.
Coding change: c.646A>C on transcript NM_000264.5 (MANE Select); coding-DNA position 646, A replaced by C.
Protein change: p.Met216Leu; replaces methionine 216 with leucine.
Molecular consequence: missense variant. On other transcripts: non-coding transcript variant (1).
Genome position (GRCh38, 1-based): chr9:95,482,142, T>G on the plus strand (A>C on the coding strand, the complement: PTCH1 is on the minus strand). VCF-style: chr9-95482142-T-G. GRCh37 (hg19) VCF-style: chr9-98244424-T-G.
Other names: c.448A>C, p.Met150Leu (NM_001083602.3, NM_001354919.2); c.643A>C, p.Met215Leu (NM_001083603.3); c.193A>C, p.Met65Leu (NM_001083604.3, NM_001083605.3, NM_001083606.3 and 1 more transcripts); c.646A>C, p.Met216Leu (NM_001354918.2); short protein forms M215L, M216L, M65L, M150L.
Identifiers: ClinVar variation 3427337 (VCV003427337.1).

ClinVar aggregate classification (germline): Uncertain significance (1 of 4 stars; one submission).

Conditions:
Hereditary cancer-predisposing syndrome. Also called: Neoplastic Syndromes, Hereditary; Tumor predisposition; Hereditary Cancer Syndrome; Hereditary neoplastic syndrome. Identifiers: Orphanet 140162, MedGen C0027672, MeSH D009386, MONDO:0015356.

gnomAD v4.1: 2 of 1,614,158 alleles (0.00012%); highest among the groups gnomAD compares: African/African-American, 0.0013%; no homozygotes.

Submission:

Ambry Genetics
Classification: Uncertain significance for Hereditary cancer-predisposing syndrome. Last evaluated: 2024-11-26. Review status: criteria provided, single submitter. Criteria: Ambry Variant Classification Scheme 2023. Collection method: clinical testing. Allele origin: germline.
Comment: The p.M216L variant (also known as c.646A>C), located in coding exon 4 of the PTCH1 gene, results from an A to C substitution at nucleotide position 646. The methionine at codon 216 is replaced by leucine, an amino acid with highly similar properties. This amino acid position is conserved. In addition, the in silico prediction for this alteration is inconclusive. Based on the available evidence, the clinical significance of this variant remains unclear.